The following is an entry in ClinVar:

NM_001267550.2(TTN):c.103564G>A (p.Glu34522Lys)

Genes: TTN (titin; minus strand), TTN-AS1 (TTN antisense RNA 1; plus strand). Cytogenetic location: 2q31.2.
Variant type: single nucleotide variant.
Coding change: c.103564G>A on transcript NM_001267550.2 (MANE Select); coding-DNA position 103564, G replaced by A.
Protein change: p.Glu34522Lys; replaces glutamic acid 34522 with lysine.
Molecular consequence: missense variant.
Genome position (GRCh38, 1-based): chr2:178,533,051, C>T on the plus strand (G>A on the coding strand, the complement: TTN is on the minus strand). VCF-style: chr2-178533051-C-T. GRCh37 (hg19) VCF-style: chr2-179397778-C-T.
Other names: c.98641G>A, p.Glu32881Lys (NM_001256850.1); c.76369G>A, p.Glu25457Lys (NM_003319.4); c.95860G>A, p.Glu31954Lys (NM_133378.4); c.76744G>A, p.Glu25582Lys (NM_133432.3); c.76945G>A, p.Glu25649Lys (NM_133437.4); short protein forms E25649K, E32881K, E25457K, E31954K, E34522K, E25582K.
Identifiers: ClinVar variation 1524170 (VCV001524170.6), dbSNP rs1689887445, ClinGen allele CA349414010.

ClinVar aggregate classification (germline): Uncertain significance (1 of 4 stars; one submission).

Conditions:
Dilated cardiomyopathy 1G (CMD1G). Identifiers: Orphanet 154, MedGen C1858763, MONDO:0011400, OMIM 604145.
Autosomal recessive limb-girdle muscular dystrophy type 2J (LGMDR10). Also called: Limb-girdle muscular dystrophy, type 2J; MUSCULAR DYSTROPHY, LIMB-GIRDLE, AUTOSOMAL RECESSIVE 10. Identifiers: Orphanet 140922, MedGen C1837342, MONDO:0012127, OMIM 608807.

gnomAD v4.1: 1 of 1,613,944 alleles (0.000062%); no homozygotes.

Submission:

Labcorp Genetics (formerly Invitae), Labcorp
Classification: Uncertain significance for Dilated cardiomyopathy 1G; Autosomal recessive limb-girdle muscular dystrophy type 2J. Last evaluated: 2024-04-22. Review status: criteria provided, single submitter. Criteria: Invitae Variant Classification Sherloc (09022015). Collection method: clinical testing. Allele origin: germline.
Comment: This sequence change replaces glutamic acid, which is acidic and polar, with lysine, which is basic and polar, at codon 34522 of the TTN protein (p.Glu34522Lys). This variant is not present in population databases (gnomAD no frequency). This variant has not been reported in the literature in individuals affected with TTN-related conditions. ClinVar contains an entry for this variant (Variation ID: 1524170). Experimental studies and prediction algorithms are not available or were not evaluated, and the functional significance of this variant is currently unknown. This variant is located in the M band of TTN (PMID: 25589632). Non-truncating variants in this region may be relevant for neuromuscular disorders, but have not been definitively shown to cause cardiomyopathy (PMID: 23975875). In summary, the available evidence is currently insufficient to determine the role of this variant in disease. Therefore, it has been classified as a Variant of Uncertain Significance.

Literature cited by the submitters: PubMed 25589632; PubMed 23975875.